The following is an entry in ClinVar:

NM_001005361.3(DNM2):c.1493A>C (p.Asn498Thr)

Gene: DNM2 (dynamin 2; plus strand). Cytogenetic location: 19p13.2.
Variant type: single nucleotide variant.
Coding change: c.1493A>C on transcript NM_001005361.3 (MANE Select); coding-DNA position 1493, A replaced by C.
Protein change: p.Asn498Thr; replaces asparagine 498 with threonine.
Molecular consequence: missense variant.
Genome position (GRCh38, 1-based): chr19:10,802,358, A>C. VCF-style: chr19-10802358-A-C. GRCh37 (hg19) VCF-style: chr19-10913034-A-C.
Other names: c.1493A>C, p.Asn498Thr (NM_001005360.3, NM_001005362.3, NM_001190716.2 and 1 more transcripts); short protein forms N498T.
Identifiers: ClinVar variation 2884359 (VCV002884359.4), dbSNP rs886054140, ClinGen allele CA404049859.

ClinVar aggregate classification (germline): Uncertain significance. Review status: criteria provided, multiple submitters, no conflicts (2 of 4 stars). 2 submissions from 2 submitters: Uncertain significance (2). Last evaluated 2024-06-28.

Conditions:
Charcot-Marie-Tooth disease dominant intermediate B (CMTDIB). Also called: CHARCOT-MARIE-TOOTH NEUROPATHY, DOMINANT INTERMEDIATE B; Charcot-Marie-Tooth disease dominant intermediate 1; CMT DI1; Charcot-Marie-Tooth disease dominant intermediate I. Identifiers: Orphanet 100044, Orphanet 228179, MedGen C1847902, MONDO:0011674, OMIM 606482.

Allele frequency attached by ClinVar (database versions not stated): TOPMed below 0.00001.
gnomAD v4.1: 1 of 1,614,156 alleles (0.000062%); highest among the groups gnomAD compares: Non-Finnish European, 0.000085%; no homozygotes.

Submissions (2):

GeneDx
Classification: Uncertain significance. Last evaluated: 2024-06-28. Review status: criteria provided, single submitter. Criteria: GeneDx Variant Classification Process June 2021. Collection method: clinical testing. Allele origin: germline. Affected: yes.
Comment: Observed in an individual with upper and lower motor neuron disease who inherited the variant from an unaffected parent in the published literature (PMID: 31407473); Not observed at significant frequency in large population cohorts (gnomAD); In silico analysis supports that this missense variant has a deleterious effect on protein structure/function; In silico analysis suggests this variant may impact gene splicing. In the absence of RNA/functional studies, the actual effect of this sequence change is unknown.; This variant is associated with the following publications: (PMID: 31407473)

Labcorp Genetics (formerly Invitae), Labcorp
Classification: Uncertain significance for Charcot-Marie-Tooth disease dominant intermediate B. Last evaluated: 2024-02-16. Review status: criteria provided, single submitter. Criteria: Invitae Variant Classification Sherloc (09022015). Collection method: clinical testing. Allele origin: germline.
Comment: This sequence change replaces asparagine, which is neutral and polar, with threonine, which is neutral and polar, at codon 498 of the DNM2 protein (p.Asn498Thr). This variant is not present in population databases (gnomAD no frequency). This missense change has been observed in individual(s) with clinical features of DNM2-related conditions (PMID: 31407473). An algorithm developed to predict the effect of missense changes on protein structure and function (PolyPhen-2) suggests that this variant is likely to be disruptive. In summary, the available evidence is currently insufficient to determine the role of this variant in disease. Therefore, it has been classified as a Variant of Uncertain Significance.

Literature cited by the submitters: PubMed 31407473 (cited by Labcorp Genetics (formerly Invitae), Labcorp).